The following is an entry in ClinVar:

NM_001321739.2(M1AP):c.197T>C (p.Leu66Ser)

Gene: M1AP (meiosis 1 associated protein; minus strand). Cytogenetic location: 2p13.1.
Variant type: single nucleotide variant.
Coding change: c.197T>C on transcript NM_001321739.2 (MANE Select); coding-DNA position 197, T replaced by C.
Protein change: p.Leu66Ser; replaces leucine 66 with serine.
Molecular consequence: missense variant.
Genome position (GRCh38, 1-based): chr2:74,640,079, A>G on the plus strand (T>C on the coding strand, the complement: M1AP is on the minus strand). VCF-style: chr2-74640079-A-G. GRCh37 (hg19) VCF-style: chr2-74867206-A-G.
Other names: c.197T>C, p.Leu66Ser (NM_001281295.2, NM_001281296.2, NM_138804.5); c.197T>C (NM_138804.4); short protein forms L66S.
Identifiers: ClinVar variation 2374273 (VCV002374273.3), dbSNP rs369692295, ClinGen allele CA1730117.

ClinVar aggregate classification (germline): Uncertain significance. Review status: criteria provided, single submitter (1 of 4 stars). 2 submissions from 2 submitters: Uncertain significance (1). 1 of the submissions does not count toward it. Last evaluated 2022-10-26.

Conditions:
M1AP-related condition.

Allele frequency attached by ClinVar (database versions not stated): gnomAD 0.00005; gnomAD exomes 0.00006; TOPMed 0.00006; ESP Exome Variant Server 0.00008; ExAC 0.00010.
gnomAD v4.1: 99 of 1,614,100 alleles (0.0061%); highest among the groups gnomAD compares: Non-Finnish European, 0.00093%; no homozygotes.

Submissions (2):

Ambry Genetics
Classification: Uncertain significance. Last evaluated: 2022-10-26. Review status: criteria provided, single submitter. Criteria: Ambry Variant Classification Scheme 2023. Collection method: clinical testing. Allele origin: germline.

PreventionGenetics, part of Exact Sciences
Classification: Likely benign for M1AP-related condition. Last evaluated: 2024-07-03. Review status: no assertion criteria provided. Collection method: clinical testing. Allele origin: germline. Not counted in ClinVar's aggregate classification.
Comment: This variant is classified as likely benign based on ACMG/AMP sequence variant interpretation guidelines (Richards et al. 2015 PMID: 25741868, with internal and published modifications).